The following is an entry in ClinVar:

ClinVar aggregate classification (germline): Benign/Likely benign. Review status: criteria provided, multiple submitters, no conflicts (2 of 4 stars). 15 submissions from 15 submitters: Benign (10); Likely benign (4). 1 of the submissions does not count toward it. Last evaluated 2026-01-28.

Conditions:
DES-related disorder. Also called: DES-related condition.
Cardiovascular phenotype. Identifiers: MedGen CN230736.
Neurogenic scapuloperoneal syndrome, Kaeser type (SCPNK). Also called: KAESER SYNDROME. Identifiers: Orphanet 85146, MedGen C1867005, MONDO:0008407, OMIM 181400.
Desmin-related myofibrillar myopathy (MFM1). Also called: Desminopathy; Desmin related myopathy (former name); Desmin storage myopathy (former name); MYOFIBRILLAR MYOPATHY WITH ARRHYTHMOGENIC RIGHT VENTRICULAR CARDIOMYOPATHY; DESMIN-RELATED MYOPATHY WITH ARRHYTHMOGENIC RIGHT VENTRICULAR CARDIOMYOPATHY; Myofibrillar myopathy 1. Identifiers: Orphanet 363543, Orphanet 98909, MedGen C1832370, MONDO:0011076, OMIM 601419.
Dilated cardiomyopathy 1I (CMD1I). Identifiers: Orphanet 154, MedGen C1858154, MONDO:0011482, OMIM 604765.
Cardiomyopathy (CMYO). Also called: Cardiomyopathies. Identifiers: Orphanet 167848, MedGen C0878544, MONDO:0004994, HP:0001638. Inheritance: Various modes of inheritance.

Submissions (15):

Labcorp Genetics (formerly Invitae), Labcorp
Classification: Benign for Desmin-related myofibrillar myopathy. Last evaluated: 2026-01-28. Review status: criteria provided, single submitter. Criteria: Invitae Variant Classification Sherloc (09022015). Collection method: clinical testing. Allele origin: germline.

CeGaT Center for Human Genetics Tuebingen
Classification: Benign. Last evaluated: 2025-10-01. Review status: criteria provided, single submitter. Criteria: CeGaT Center For Human Genetics Tuebingen Variant Classification Criteria Version 2. Collection method: clinical testing. Allele origin: germline. Affected: yes. Observed: 16 variant alleles.
Comment: DES: BP4, BS1, BS2

Molecular Diagnostic Laboratory for Inherited Cardiovascular Disease, Montreal Heart Institute
Classification: Likely benign. Last evaluated: 2025-04-09. Review status: criteria provided, single submitter. Criteria: ACMG Guidelines, 2015. Collection method: clinical testing. Allele origin: germline. Affected: no.
Comment: BS1;BP5

Athena Diagnostics
Classification: Benign. Last evaluated: 2025-02-28. Review status: criteria provided, single submitter. Criteria: Athena Diagnostics Criteria. Collection method: clinical testing. Allele origin: unknown.
Comment: The frequency of this variant in the general population is higher than would generally be expected for pathogenic variants in this gene.

Blueprint Genetics
Classification: Likely benign. Last evaluated: 2024-11-04. Review status: criteria provided, single submitter. Criteria: ACMG Guidelines, 2015. Collection method: clinical testing. Allele origin: germline.

Women's Health and Genetics/Laboratory Corporation of America, LabCorp
Classification: Benign. Last evaluated: 2023-02-13. Review status: criteria provided, single submitter. Criteria: LabCorp Variant Classification Summary - May 2015. Collection method: clinical testing. Allele origin: germline.

Fulgent Genetics
Classification: Benign for Neurogenic scapuloperoneal syndrome, Kaeser type; Desmin-related myofibrillar myopathy; Dilated cardiomyopathy 1I. Last evaluated: 2021-07-26. Review status: criteria provided, single submitter. Criteria: ACMG Guidelines, 2015. Collection method: clinical testing. Allele origin: unknown.

Ambry Genetics
Classification: Benign for Cardiovascular phenotype. Last evaluated: 2020-03-13. Review status: criteria provided, single submitter. Criteria: Ambry Variant Classification Scheme 2023. Collection method: clinical testing. Allele origin: germline.

Mendelics
Classification: Benign for Desmin-related myofibrillar myopathy. Last evaluated: 2019-05-28. Review status: criteria provided, single submitter. Criteria: Mendelics Assertion Criteria 2017. Collection method: clinical testing. Allele origin: unknown.

CHEO Genetics Diagnostic Laboratory, Children's Hospital of Eastern Ontario
Classification: Benign for Cardiomyopathy. Last evaluated: 2018-07-30. Review status: criteria provided, single submitter. Criteria: ACMG Guidelines, 2015. Collection method: clinical testing. Allele origin: germline.

Eurofins Ntd Llc (ga)
Classification: Likely benign. Last evaluated: 2017-03-21. Review status: criteria provided, single submitter. Criteria: EGL Classification Definitions 2015. Collection method: clinical testing. Allele origin: germline. Observed: 2 variant alleles, 2 heterozygotes.

GeneDx
Classification: Benign. Last evaluated: 2016-10-24. Review status: criteria provided, single submitter. Criteria: GeneDx Variant Classification Process June 2021. Collection method: clinical testing. Allele origin: germline. Affected: yes.
Comment: This variant is associated with the following publications: (PMID: 33250842, 27535533, 20474083)

Laboratory for Molecular Medicine, Mass General Brigham Personalized Medicine
Classification: Benign. Last evaluated: 2015-03-19. Review status: criteria provided, single submitter. Criteria: LMM Criteria. Collection method: clinical testing. Allele origin: germline. Observed: 4 variant alleles.
Comment: c.897+4_897+5delGG in intron 4 of DES: This variant is not expected to have clin ical significance because it has been identified in 1.6% (260/16508) of South As ian chromosomes by the Exome Aggregation Consortium (ExAC; dbSNP rs397516699).

Broad Center for Mendelian Genomics, Broad Institute of MIT and Harvard
Classification: Likely benign for Dilated cardiomyopathy 1I. Review status: criteria provided, single submitter. Criteria: ACMG Guidelines, 2015. Collection method: research. Allele origin: germline. Inheritance: Autosomal dominant inheritance. Affected: yes.
Comment: The heterozygous c.897+4_897+5delGG variant in DES has been identified in an individual with dilated cardiomyopathy (PMID: 20474083), but has also been identified in >1% of South Asian chromosomes and 4 homozygotes by ExAC. In summary, although additional studies are required to fully establish its clinical significance, this variant meets criteria to be classified as likely benign for autosomal dominant dilated cardiomyopathy.

PreventionGenetics, part of Exact Sciences
Classification: Likely benign for DES-related condition. Last evaluated: 2020-01-30. Review status: no assertion criteria provided. Collection method: clinical testing. Allele origin: germline. Not counted in ClinVar's aggregate classification.
Comment: This variant is classified as likely benign based on ACMG/AMP sequence variant interpretation guidelines (Richards et al. 2015 PMID: 25741868, with internal and published modifications).

Literature cited by the submitters: PubMed 20474083 (cited by 3 submitters); PubMed 33250842 (cited by Athena Diagnostics).

NM_001927.4(DES):c.897+4_897+5del

Gene: DES (desmin; plus strand). Cytogenetic location: 2q35.
Variant type: Deletion.
Coding change: c.897+4_897+5del on transcript NM_001927.4 (MANE Select); bases 4 to 5 of the intron after coding-DNA position 897, 2 bases deleted (GG; older notation c.897+4_897+5delGG).
Genome position (GRCh38, 1-based): chr2:219,420,660-219,420,661, GG deleted; deleting any 2 consecutive bases within chr2:219,420,659-219,420,661 gives the same sequence; the c. name uses the placement nearest the transcript's 3' end. VCF-style (leftmost placement, unchanged base first): chr2-219420658-TGG-T. GRCh37 (hg19) VCF-style: chr2-220285380-TGG-T.
Identifiers: ClinVar variation 44273 (VCV000044273.64), dbSNP rs397516699, ClinGen allele CA133882.